The following is an entry in ClinVar:

NM_000059.4(BRCA2):c.8401T>C (p.Phe2801Leu)

Gene: BRCA2 (BRCA2 DNA repair associated; plus strand). Cytogenetic location: 13q13.1.
Variant type: single nucleotide variant.
Coding change: c.8401T>C on transcript NM_000059.4 (MANE Select); coding-DNA position 8401, T replaced by C.
Protein change: p.Phe2801Leu; replaces phenylalanine 2801 with leucine.
Molecular consequence: missense variant.
Genome position (GRCh38, 1-based): chr13:32,370,471, T>C. VCF-style: chr13-32370471-T-C. GRCh37 (hg19) VCF-style: chr13-32944608-T-C.
Other names: short protein forms F2801L.
Identifiers: ClinVar variation 858388 (VCV000858388.10), dbSNP rs2072820828, ClinGen allele CA387752492.
Genomic context (GRCh38, chr13:32,370,471, plus strand): 5'-AACAGTACTCGGCCTGCTCGCTGGTATACCAAACTTGGATTCTTTCCTGACCCTAGACCT[T>C]TTCCTCTGCCCTTATCATCGCTTTTCAGTGATGGAGGAAATGTTGGTTGTGTTGATGTAA-3'
Protein context (NP_000050.3, residues 2791-2811): KLGFFPDPRP[Phe2801Leu]PLPLSSLFSD

ClinVar aggregate classification (germline): Uncertain significance (1 of 4 stars; one submission).

Conditions:
Hereditary breast ovarian cancer syndrome. Also called: Breast and ovarian cancer; BRCA1- and BRCA2-Associated Hereditary Breast and Ovarian Cancer; Hereditary breast and ovarian cancer; Hereditary breast and ovarian cancer syndrome (HBOC); Hereditary breast and/or ovarian cancer syndrome; Hereditary breast and ovarian cancer syndrome. Identifiers: Orphanet 145, MedGen C0677776, MeSH D061325, MONDO:0003582. Disease mechanism: loss of function.

Submission:

Labcorp Genetics (formerly Invitae), Labcorp
Classification: Uncertain significance for Hereditary breast ovarian cancer syndrome. Last evaluated: 2020-11-20. Review status: criteria provided, single submitter. Criteria: Invitae Variant Classification Sherloc (09022015). Collection method: clinical testing. Allele origin: germline.
Comment: This sequence change replaces phenylalanine with leucine at codon 2801 of the BRCA2 protein (p.Phe2801Leu). The phenylalanine residue is highly conserved and there is a small physicochemical difference between phenylalanine and leucine. This variant is not present in population databases (ExAC no frequency). This variant has not been reported in the literature in individuals with BRCA2-related conditions. Algorithms developed to predict the effect of missense changes on protein structure and function output the following: SIFT: "Tolerated"; PolyPhen-2: "Benign"; Align-GVGD: "Class C0". The leucine amino acid residue is found in multiple mammalian species, suggesting that this missense change does not adversely affect protein function. These predictions have not been confirmed by published functional studies and their clinical significance is uncertain. In summary, the available evidence is currently insufficient to determine the role of this variant in disease. Therefore, it has been classified as a Variant of Uncertain Significance.